The following is an entry in ClinVar:

ClinVar aggregate classification (germline): Likely pathogenic (0 of 4 stars; one submission).

Submission:

ISCA site 15
Classification: Likely pathogenic. Last evaluated: 2018-01-24. Review status: no assertion criteria provided. Collection method: clinical testing. Allele origin: paternal. Affected: yes. Observed: 1 variant allele.
Comment: Phenotype now well established for this duplication and fits with phenotype of our patient. As incomplete penetrance regard as likely pathogenic rather than pathogenic as no explanation as to why some individuals are affected and some not.

Copy number variation identified through the course of routine clinical cytogenomic testing in postnatal populations. Clinical assertions have been curated as described in Kaminsky et al. 2011.

Copy number variation identified through the course of routine clinical cytogenomic testing in postnatal populations. Clinical assertions have been curated as described in Kaminsky, et al. 2011 (PubMed 21844811). For additional ClinGen data, please see nstd37.

GRCh38/hg38 16p11.2(chr16:29662635-30187279)x3

Genes: ALDOA (aldolase, fructose-bisphosphate A; plus strand), ASPHD1 (aspartate beta-hydroxylase domain containing 1; plus strand), C16orf54 (chromosome 16 open reading frame 54; minus strand), CDIPT (CDP-diacylglycerol--inositol 3-phosphatidyltransferase; minus strand), CDIPTOSP (CDIP transferase opposite strand, pseudogene; plus strand) and 92 more. Cytogenetic location: 16p11.2.
Variant type: copy number gain.
Change: copy number 3 (three copies instead of two) of chr16:29,662,635-30,187,279 (524.6 kb, GRCh38 coordinates, 1-based), cytogenetic band 16p11.2.
Identifiers: ClinVar variation 60404 (VCV000060404.3).